The following is an entry in ClinVar:

NM_178857.6(RP1L1):c.2977G>A (p.Asp993Asn)

Gene: RP1L1 (RP1 like 1). Cytogenetic location: 8p23.1.
Variant type: single nucleotide variant.
Coding change: c.2977G>A on transcript NM_178857.6 (MANE Select); coding-DNA position 2977, G replaced by A.
Protein change: p.Asp993Asn; replaces aspartic acid 993 with asparagine.
Molecular consequence: missense variant.
Genome position (GRCh38, 1-based): chr8:10,611,121, C>T on the plus strand (G>A on the coding strand, the complement: RP1L1 is on the minus strand). VCF-style: chr8-10611121-C-T. GRCh37 (hg19) VCF-style: chr8-10468631-C-T.
Other names: short protein forms D993N.
Identifiers: ClinVar variation 361326 (VCV000361326.6), dbSNP rs144078596, ClinGen allele CA4624633.

ClinVar aggregate classification (germline): Benign/Likely benign. Review status: criteria provided, multiple submitters, no conflicts (2 of 4 stars). 2 submissions from 2 submitters: Benign (1); Likely benign (1). Last evaluated 2024-11-05.

Conditions:
Occult macular dystrophy (OCMD). Also called: OMD; OCCULT MACULAR DYSTROPHY, SUSCEPTIBILITY TO. Identifiers: Orphanet 247834, MedGen C3150833, MONDO:0013316, OMIM 613587, HP:0030636.

Allele frequency attached by ClinVar (database versions not stated): gnomAD exomes 0.00031 and 0.00053; ExAC 0.00058; gnomAD 0.00205 and 0.00217; ESP Exome Variant Server 0.00218; TOPMed 0.00253; 1000 Genomes Project 0.00339; 1000 Genomes Project 30x 0.00344.
gnomAD v4.1: 798 of 1,612,934 alleles (0.049%); highest among the groups gnomAD compares: African/African-American, 0.64%; 1 homozygote.

Submissions (2):

Blueprint Genetics
Classification: Likely benign. Last evaluated: 2024-11-05. Review status: criteria provided, single submitter. Criteria: ACMG Guidelines, 2015. Collection method: clinical testing. Allele origin: germline.

Illumina Laboratory Services, Illumina
Classification: Benign for Occult macular dystrophy. Last evaluated: 2018-01-13. Review status: criteria provided, single submitter. Criteria: ICSL Variant Classification Criteria 13 December 2019. Collection method: clinical testing. Allele origin: germline.
Comment: This variant was observed in the ICSL laboratory as part of a predisposition screen in an ostensibly healthy population. It had not been previously curated by ICSL or reported in the Human Gene Mutation Database (HGMD: prior to June 1st, 2018), and was therefore a candidate for classification through an automated scoring system. Utilizing variant allele frequency, disease prevalence and penetrance estimates, and inheritance mode, an automated score was calculated to assess if this variant is too frequent to cause the disease. Based on the score and internal cut-off values, a variant classified as benign is not then subjected to further curation. The score for this variant resulted in a classification of benign for this disease.